The following is an entry in ClinVar:

NM_002838.5(PTPRC):c.590del (p.Tyr197fs)

Gene: PTPRC (protein tyrosine phosphatase receptor type C; plus strand). Cytogenetic location: 1q32.1.
Variant type: Deletion.
Coding change: c.590del on transcript NM_002838.5 (MANE Select); coding-DNA position 590, one base deleted (A; older notation c.590delA).
Protein change: p.Tyr197fs; shifts the reading frame from tyrosine 197.
Molecular consequence: frameshift variant.
Genome position (GRCh38, 1-based): chr1:198,703,304, A deleted. VCF-style (leftmost placement, unchanged base first): chr1-198703303-TA-T. GRCh37 (hg19) VCF-style: chr1-198672432-TA-T.
Other names: c.107del, p.Tyr36fs (NM_080921.4); short protein forms Y197fs, Y36fs.
Identifiers: ClinVar variation 2761795 (VCV002761795.3), dbSNP rs2527780456, ClinGen allele CA2697554828.
Genomic context (GRCh38, chr1:198,703,303, plus strand): 5'-ACCTTTTAATATAACGAATTAATTAGCTTTTATTCTTCTATTCATTTTCTTGCAGATGCC[TA>T]CCTTAATGCCTCTGAAACAACCACTCTGAGCCCTTCTGGAAGCGCTGTCATTTCAACCAC-3'

ClinVar aggregate classification (germline): Pathogenic (1 of 4 stars; one submission).

Conditions:
Immunodeficiency 104. Also called: Severe combined immunodeficiency, autosomal recessive, T cell-negative, B cell-positive, NK cell-positive; IMMUNODEFICIENCY 104, SEVERE COMBINED; SCID, AUTOSOMAL RECESSIVE, T CELL-NEGATIVE, B CELL-POSITIVE, NK CELL-POSITIVE; Severe Combined Immune Deficiency, Autosomal Recessive, TCell -Negative, B Cell-Positive, NK Cell-Positive, IL7R-Related. Identifiers: MedGen C5676890, MONDO:0012163, OMIM 608971.

Submission:

Labcorp Genetics (formerly Invitae), Labcorp
Classification: Pathogenic for Immunodeficiency 104. Last evaluated: 2023-06-11. Review status: criteria provided, single submitter. Criteria: Invitae Variant Classification Sherloc (09022015). Collection method: clinical testing. Allele origin: germline.
Comment: For these reasons, this variant has been classified as Pathogenic. This variant has not been reported in the literature in individuals affected with PTPRC-related conditions. This variant is not present in population databases (gnomAD no frequency). This sequence change creates a premature translational stop signal (p.Tyr197Serfs*10) in the PTPRC gene. It is expected to result in an absent or disrupted protein product. Loss-of-function variants in PTPRC are known to be pathogenic (PMID: 10700239).

Literature cited by the submitters: PubMed 10700239.